The following is an entry in ClinVar:

NM_024334.3(TMEM43):c.144C>G (p.Tyr48Ter)

Gene: TMEM43 (transmembrane protein 43; plus strand). Cytogenetic location: 3p25.1.
Variant type: single nucleotide variant.
Coding change: c.144C>G on transcript NM_024334.3 (MANE Select); coding-DNA position 144, C replaced by G.
Protein change: p.Tyr48Ter; replaces tyrosine 48 with a stop codon.
Molecular consequence: nonsense. On other transcripts: intron variant (1).
Genome position (GRCh38, 1-based): chr3:14,129,543, C>G. VCF-style: chr3-14129543-C-G. GRCh37 (hg19) VCF-style: chr3-14171043-C-G.
Other names: c.144C>G, p.Tyr48Ter (NM_001407274.1, NM_001407275.1, NM_001407276.1 and 3 more transcripts); c.13-1279C>G (NM_001407280.1); short protein forms Y48*.
Identifiers: ClinVar variation 4758363 (VCV004758363.1).
Genomic context (GRCh38, chr3:14,129,543, plus strand): 5'-GCTGAGCGAGACCTCGGGTGGGATGTTTGTGGGGCTCATGGCCTTCCTGCTCTCCTTCTA[C>G]CTAATTTTCACCAATGAGGTAAAATGTCTGGGGTCTTCCTGTGCAGAGTGAGAGTCCCCA-3'

ClinVar aggregate classification (germline): Uncertain significance (1 of 4 stars; one submission).

Conditions:
Cardiomyopathy (CMYO). Also called: Cardiomyopathies. Identifiers: Orphanet 167848, MedGen C0878544, MONDO:0004994, HP:0001638. Inheritance: Various modes of inheritance.

Submission:

Color Diagnostics, LLC DBA Color Health
Classification: Uncertain significance for Cardiomyopathy. Last evaluated: 2025-06-12. Review status: criteria provided, single submitter. Criteria: ACMG Guidelines, 2015. Collection method: clinical testing. Allele origin: germline.
Comment: This variant changes 1 nucleotide in exon 2 of the TMEM43 gene, creating a premature translation stop signal. This variant is expected to result in an absent or non-functional protein product. To our knowledge, this variant has not been reported in individuals affected with TMEM43-related disorders in the literature. This variant has not been identified in the general population by the Genome Aggregation Database (gnomAD). Clinical relevance of loss-of-function TMEM43 truncation variants in autosomal dominant cardiovascular disorders is not clearly established. The available evidence is insufficient to determine the role of this variant in disease conclusively. Therefore, this variant is classified as a Variant of Uncertain Significance.